The following is an entry in ClinVar:

ClinVar aggregate classification (germline): Uncertain significance (1 of 4 stars; one submission).

Conditions:
Familial isolated arrhythmogenic right ventricular dysplasia. Identifiers: Orphanet 217656, MedGen C4274968, MONDO:0016342.

Submission:

All of Us Research Program, National Institutes of Health
Classification: Uncertain significance for Familial isolated arrhythmogenic right ventricular dysplasia. Last evaluated: 2024-05-14. Review status: criteria provided, single submitter. Criteria: ACMG Guidelines, 2015. Collection method: clinical testing. Allele origin: germline. Inheritance: Autosomal dominant inheritance. Observed: 1 variant allele, 1 heterozygote.
Comment: This missense variant replaces proline with threonine at codon 141 of the DSC2 protein. Computational prediction suggests that this variant may have deleterious impact on protein structure and function (internally defined REVEL score threshold >= 0.7, PMID: 27666373). To our knowledge, functional studies have not been reported for this variant. This variant has not been reported in individuals affected with DSC2-related disorders in the literature. This variant has not been identified in the general population by the Genome Aggregation Database (gnomAD). The available evidence is insufficient to determine the role of this variant in disease conclusively. Therefore, this variant is classified as a Variant of Uncertain Significance.

This study involves interpretation of variants in research participants for the purpose of population health screening. Participant phenotype was not available at the time of variant classification. Additional details can be found in publication PMID: 35346344, PMCID: PMC8962531

NM_024422.6(DSC2):c.421C>A (p.Pro141Thr)

Gene: DSC2 (desmocollin 2; minus strand). Cytogenetic location: 18q12.1.
Variant type: single nucleotide variant.
Coding change: c.421C>A on transcript NM_024422.6 (MANE Select); coding-DNA position 421, C replaced by A.
Protein change: p.Pro141Thr; replaces proline 141 with threonine.
Molecular consequence: missense variant. On other transcripts: 5 prime UTR variant (2).
Genome position (GRCh38, 1-based): chr18:31,091,081, G>T on the plus strand (C>A on the coding strand, the complement: DSC2 is on the minus strand). VCF-style: chr18-31091081-G-T. GRCh37 (hg19) VCF-style: chr18-28671044-G-T.
Other names: c.-9C>A (NM_001406506.1, NM_001406507.1); c.421C>A, p.Pro141Thr (NM_004949.5); short protein forms P141T.
Identifiers: ClinVar variation 3386550 (VCV003386550.1).